The following is an entry in ClinVar:

ClinVar aggregate classification (germline): Uncertain significance. Review status: criteria provided, multiple submitters, no conflicts (2 of 4 stars). 2 submissions from 2 submitters: Uncertain significance (2). Last evaluated 2023-11-27.

Allele frequency attached by ClinVar (database versions not stated): gnomAD 0.00001.

Submissions (2):

Labcorp Genetics (formerly Invitae), Labcorp
Classification: Uncertain significance. Last evaluated: 2023-11-27. Review status: criteria provided, single submitter. Criteria: Invitae Variant Classification Sherloc (09022015). Collection method: clinical testing. Allele origin: germline.
Comment: This sequence change replaces valine, which is neutral and non-polar, with methionine, which is neutral and non-polar, at codon 650 of the CACNA2D4 protein (p.Val650Met). This variant is not present in population databases (gnomAD no frequency). This variant has not been reported in the literature in individuals affected with CACNA2D4-related conditions. Algorithms developed to predict the effect of missense changes on protein structure and function output the following: SIFT: "Not Available"; PolyPhen-2: "Benign"; Align-GVGD: "Not Available". The methionine amino acid residue is found in multiple mammalian species, which suggests that this missense change does not adversely affect protein function. In summary, the available evidence is currently insufficient to determine the role of this variant in disease. Therefore, it has been classified as a Variant of Uncertain Significance.

Blueprint Genetics
Classification: Uncertain significance. Last evaluated: 2021-10-15. Review status: criteria provided, single submitter. Criteria: ACMG Guidelines, 2015. Collection method: clinical testing. Allele origin: germline.

NM_172364.5(CACNA2D4):c.1948G>A (p.Val650Met)

Gene: CACNA2D4 (calcium voltage-gated channel auxiliary subunit alpha2delta 4; minus strand). Cytogenetic location: 12p13.33.
Variant type: single nucleotide variant.
Coding change: c.1948G>A on transcript NM_172364.5 (MANE Select); coding-DNA position 1948, G replaced by A.
Protein change: p.Val650Met; replaces valine 650 with methionine.
Molecular consequence: missense variant.
Genome position (GRCh38, 1-based): chr12:1,858,637, C>T on the plus strand (G>A on the coding strand, the complement: CACNA2D4 is on the minus strand). VCF-style: chr12-1858637-C-T. GRCh37 (hg19) VCF-style: chr12-1967803-C-T.
Other names: short protein forms V650M.
Identifiers: ClinVar variation 2881052 (VCV002881052.4), dbSNP rs931940076, ClinGen allele CA231535730.